The following is an entry in ClinVar:

NM_000059.4(BRCA2):c.10235T>G (p.Ile3412Ser)

Gene: BRCA2 (BRCA2 DNA repair associated; plus strand). Cytogenetic location: 13q13.1.
Variant type: single nucleotide variant.
Coding change: c.10235T>G on transcript NM_000059.4 (MANE Select); coding-DNA position 10235, T replaced by G.
Protein change: p.Ile3412Ser; replaces isoleucine 3412 with serine.
Molecular consequence: missense variant.
Genome position (GRCh38, 1-based): chr13:32,398,748, T>G. VCF-style: chr13-32398748-T-G. GRCh37 (hg19) VCF-style: chr13-32972885-T-G.
Other names: short protein forms I3412S.
Identifiers: ClinVar variation 392267 (VCV000392267.3), dbSNP rs1057524418, ClinGen allele CA16606459.
Genomic context (GRCh38, chr13:32,398,748, plus strand): 5'-AAGAACAGGAGAGTTCCCAGGCCAGTACGGAAGAATGTGAGAAAAATAAGCAGGACACAA[T>G]TACAACTAAAAAATATATCTAAGCATTTGCAAAGGCGACAATAAATTATTGACGCTTAAC-3'
Protein context (NP_000050.3, residues 3402-3418): EECEKNKQDT[Ile3412Ser]TTKKYI

ClinVar aggregate classification (germline): Likely benign. Review status: criteria provided, single submitter (1 of 4 stars). 2 submissions from 2 submitters: Likely benign (1). 1 of the submissions does not count toward it. Last evaluated 2016-12-20.

Conditions:
Malignant tumor of breast. Also called: Malignant breast neoplasm; Cancer breast. Identifiers: MedGen C0006142, MONDO:0007254. Disease mechanism: loss of function.

Submissions (2):

GeneDx
Classification: Likely benign. Last evaluated: 2016-12-20. Review status: criteria provided, single submitter. Criteria: GeneDx Variant Classification (06012015). Collection method: clinical testing. Allele origin: germline. Affected: yes.
Comment: This variant is considered likely benign or benign based on one or more of the following criteria: it is a conservative change, it occurs at a poorly conserved position in the protein, it is predicted to be benign by multiple in silico algorithms, and/or has population frequency not consistent with disease.

Department of Pathology and Laboratory Medicine, Sinai Health System
Classification: Uncertain significance for Malignant tumor of breast. Review status: no assertion criteria provided. Collection method: clinical testing. Allele origin: unknown. Affected: yes. Study: The Canadian Open Genetics Repository (COGR). Not counted in ClinVar's aggregate classification.
Comment: The BRCA2 p.Ile3412Ser variant was not identified in the literature nor was it identified in the the following databases: dbSNP, COGR, Cosmic, MutDB, LOVD 3.0, UMD-LSDB, BIC Database, ARUP Laboratories, or Zhejiang Colon Cancer Databases. The variant was only identified in ClinVar (classified as likely benign by GeneDx), database. The variant was not identified in the 1000 Genomes Project, the NHLBI GO Exome Sequencing Project or the Exome Aggregation Consortium (August 8th 2016) control databases. The p.Ile3412 residue is not conserved in mammals and four out of five computational analyses (PolyPhen-2, SIFT, AlignGVGD, BLOSUM, MutationTaster) do not suggest a high likelihood of impact to the protein; however, this information is not predictive enough to rule out pathogenicity. The variant occurs outside of the splicing consensus sequence and in silico or computational prediction software programs (SpliceSiteFinder, MaxEntScan, NNSPLICE, GeneSplicer, HumanSpliceFinder) do not predict a difference in splicing. The variant is located within the Breast cancer type 2 susceptibility protein functional domain. In summary, based on the above information, the clinical significance of this variant cannot be determined with certainty at this time. This variant is classified as a variant of uncertain significance.